The following is an entry in ClinVar:

ClinVar aggregate classification (germline): Pathogenic. Review status: criteria provided, multiple submitters, no conflicts (2 of 4 stars). 2 submissions from 2 submitters: Pathogenic (2). Last evaluated 2025-12-01.

Conditions:
Primary ciliary dyskinesia. Also called: Ciliary dyskinesia. Identifiers: Orphanet 244, MedGen C0008780, MONDO:0016575, HP:0012265.
Inherited obesity. Also called: Monogenic Obesity. Identifiers: Orphanet 77828, MedGen C4054476, MONDO:0019182, OMIM 601665.

Allele frequency attached by ClinVar (database versions not stated): ExAC 0.00002; gnomAD 0.00006; gnomAD exomes 0.00006 and 0.00009; TOPMed 0.00009; ESP Exome Variant Server 0.00023.
gnomAD v4.1: 133 of 1,613,840 alleles (0.0082%); highest among the groups gnomAD compares: Non-Finnish European, 0.011%; no homozygotes.

Submissions (2):

Labcorp Genetics (formerly Invitae), Labcorp
Classification: Pathogenic for Primary ciliary dyskinesia. Last evaluated: 2025-12-01. Review status: criteria provided, single submitter. Criteria: Invitae Variant Classification Sherloc (09022015). Collection method: clinical testing. Allele origin: germline.
Comment: This sequence change creates a premature translational stop signal (p.Arg2878*) in the DNAH8 gene. It is expected to result in an absent or disrupted protein product. Loss-of-function variants in DNAH8 are known to be pathogenic (PMID: 24307375, 32619401, 32681648). This variant is present in population databases (rs149070832, gnomAD 0.01%). This variant has not been reported in the literature in individuals affected with DNAH8-related conditions. ClinVar contains an entry for this variant (Variation ID: 653814). For these reasons, this variant has been classified as Pathogenic.

Cytogenetics and Molecular Genetics Section, Pathology Unit, BARC Hospital, Bhabha Atomic Research Centre
Classification: Pathogenic for Inherited obesity. Review status: criteria provided, single submitter. Criteria: ACMG Guidelines, 2015. Collection method: research. Allele origin: germline. Inheritance: Autosomal dominant inheritance. Affected: yes.
Comment: The variant replaces C with T leading to a premature termination signal at position 2878 which may result in absent or disrupted protein (PVS1). Of these 2 members were obese class III and remaining 6 were unaffected, healthy individuals with normal BMI. Sanger Sequencing of theses eight members confirmed that the variant segregated only with the affected members of the family in an autosomal dominant mode of inheritance. The unaffected individuals showed wild type allele (PP1). This variant with dbSNP id rs149070832 has been reported in Primary Ciliary Dyskinesia and is classifed as Pathogenic. However we are unable to perform an independent functional studies for this variant (PP5). In summary, this variant for Obesity meets the specified ACMG crteria to be classifed as Pathogenic (PVS1,PP1 and PP5)

Literature cited by the submitters: PubMed 24307375 (cited by Labcorp Genetics (formerly Invitae), Labcorp); PubMed 32619401 (cited by Labcorp Genetics (formerly Invitae), Labcorp); PubMed 32681648 (cited by Labcorp Genetics (formerly Invitae), Labcorp).

NM_001206927.2(DNAH8):c.8632C>T (p.Arg2878Ter)

Gene: DNAH8 (dynein axonemal heavy chain 8; plus strand). Cytogenetic location: 6p21.2.
Variant type: single nucleotide variant.
Coding change: c.8632C>T on transcript NM_001206927.2 (MANE Select); coding-DNA position 8632, C replaced by T.
Protein change: p.Arg2878Ter; replaces arginine 2878 with a stop codon.
Molecular consequence: nonsense.
Genome position (GRCh38, 1-based): chr6:38,894,749, C>T. VCF-style: chr6-38894749-C-T. GRCh37 (hg19) VCF-style: chr6-38862525-C-T.
Other names: c.7981C>T, p.Arg2661Ter (NM_001371.4); short protein forms R2661*, R2878*.
Identifiers: ClinVar variation 653814 (VCV000653814.10), dbSNP rs149070832, ClinGen allele CA3790260.